The following is an entry in ClinVar:

NM_031924.8(RSPH3):c.739_741del (p.Asn247del)

Gene: RSPH3 (radial spoke head 3; minus strand). Cytogenetic location: 6q25.3.
Variant type: Deletion.
Coding change: c.739_741del on transcript NM_031924.8 (MANE Select); coding-DNA positions 739 to 741, 3 bases deleted (AAC; older notation c.739_741delAAC).
Protein change: p.Asn247del; deletes asparagine 247.
Molecular consequence: inframe deletion. On other transcripts: non-coding transcript variant (1).
Genome position (GRCh38, 1-based): chr6:158,980,892-158,980,894, GTT deleted on the plus strand (AAC on the coding strand, the reverse complement: RSPH3 is on the minus strand); deleting any 3 consecutive bases within chr6:158,980,892-158,980,896 gives the same sequence; the c. name uses the placement nearest the transcript's 3' end. VCF-style (leftmost placement, unchanged base first): chr6-158980891-CGTT-C. GRCh37 (hg19) VCF-style: chr6-159401923-CGTT-C.
Other names: c.877_879del, p.Asn293del (NM_001346418.1); short protein forms N293del, N247del.
Identifiers: ClinVar variation 658079 (VCV000658079.8), dbSNP rs1583704831, ClinGen allele CA915944799.

ClinVar aggregate classification (germline): Uncertain significance (1 of 4 stars; one submission).

Conditions:
Primary ciliary dyskinesia 32. Also called: CILIARY DYSKINESIA, PRIMARY, 32, WITHOUT SITUS INVERSUS. Identifiers: Orphanet 244, MedGen C4225311, MONDO:0014657, OMIM 616481.

Submission:

Labcorp Genetics (formerly Invitae), Labcorp
Classification: Uncertain significance for Primary ciliary dyskinesia 32. Last evaluated: 2023-08-30. Review status: criteria provided, single submitter. Criteria: Invitae Variant Classification Sherloc (09022015). Collection method: clinical testing. Allele origin: germline.
Comment: This variant, c.1165_1167del, results in the deletion of 1 amino acid(s) of the RSPH3 protein (p.Asn389del), but otherwise preserves the integrity of the reading frame. In summary, the available evidence is currently insufficient to determine the role of this variant in disease. Therefore, it has been classified as a Variant of Uncertain Significance. Experimental studies and prediction algorithms are not available or were not evaluated, and the functional significance of this variant is currently unknown. ClinVar contains an entry for this variant (Variation ID: 658079). This variant has not been reported in the literature in individuals affected with RSPH3-related conditions. This variant is not present in population databases (gnomAD no frequency).